The following is an entry in ClinVar:

NM_182961.4(SYNE1):c.11463C>A (p.Phe3821Leu)

Gene: SYNE1 (spectrin repeat containing nuclear envelope protein 1; minus strand). Cytogenetic location: 6q25.2.
Variant type: single nucleotide variant.
Coding change: c.11463C>A on transcript NM_182961.4 (MANE Select); coding-DNA position 11463, C replaced by A.
Protein change: p.Phe3821Leu; replaces phenylalanine 3821 with leucine.
Molecular consequence: missense variant.
Genome position (GRCh38, 1-based): chr6:152,352,144, G>T on the plus strand (C>A on the coding strand, the complement: SYNE1 is on the minus strand). VCF-style: chr6-152352144-G-T. GRCh37 (hg19) VCF-style: chr6-152673279-G-T.
Other names: c.11418C>A, p.Phe3806Leu (NM_033071.5); short protein forms F3806L, F3821L.
Identifiers: ClinVar variation 1461200 (VCV001461200.8), dbSNP rs2154039505, ClinGen allele CA366119997.
Genomic context (GRCh38, chr6:152,352,144, plus strand): 5'-AACATGTAGAATTTCCTGGTATTCTGCTATCCACTGTGTCAGTGCTTTGCATTTATCTGA[G>T]AATTCCTTTGCTAAATGAAGACCTTTTTCCAGCGTCATGTGTTCTTTCCGGACAGTGCTG-3'
Protein context (NP_892006.3, residues 3811-3831): LEKGLHLAKE[Phe3821Leu]SDKCKALTQW

ClinVar aggregate classification (germline): Uncertain significance (1 of 4 stars; one submission).

Conditions:
Autosomal recessive ataxia, Beauce type. Also called: SYNE1-Related Autosomal Recessive Cerebellar Ataxia; Spinocerebellar ataxia, autosomal recessive 8; ATAXIA, RECESSIVE, OF BEAUCE; SYNE1 Deficiency. Identifiers: Orphanet 88644, MedGen C1853116, MONDO:0012549, OMIM 610743.
Emery-Dreifuss muscular dystrophy 4, autosomal dominant (EDMD4). Also called: EMERY-DREIFUSS MUSCULAR DYSTROPHY 4 WITH VARIABLE FEATURES. Identifiers: Orphanet 261, MedGen C2751807, MONDO:0013071, OMIM 612998.

Submission:

Labcorp Genetics (formerly Invitae), Labcorp
Classification: Uncertain significance for Emery-Dreifuss muscular dystrophy 4, autosomal dominant; Autosomal recessive ataxia, Beauce type. Last evaluated: 2022-02-05. Review status: criteria provided, single submitter. Criteria: Invitae Variant Classification Sherloc (09022015). Collection method: clinical testing. Allele origin: germline.
Comment: In summary, the available evidence is currently insufficient to determine the role of this variant in disease. Therefore, it has been classified as a Variant of Uncertain Significance. Algorithms developed to predict the effect of missense changes on protein structure and function are either unavailable or do not agree on the potential impact of this missense change (SIFT: "Deleterious"; PolyPhen-2: "Probably Damaging"; Align-GVGD: "Class C15"). This variant has not been reported in the literature in individuals affected with SYNE1-related conditions. This variant is not present in population databases (gnomAD no frequency). This sequence change replaces phenylalanine, which is neutral and non-polar, with leucine, which is neutral and non-polar, at codon 3806 of the SYNE1 protein (p.Phe3806Leu).